The following is an entry in ClinVar:

ClinVar aggregate classification (germline): Conflicting classifications of pathogenicity. Review status: criteria provided, conflicting classifications (1 of 4 stars). 2 submissions from 2 submitters: Uncertain significance (1); Likely benign (1). Last evaluated 2026-02-06.

Conditions:
ALMS1-related disorder. Also called: ALMS1-related condition.
Alstrom syndrome (ALMS). Identifiers: Orphanet 64, MedGen C0268425, MONDO:0008763, OMIM 203800.

Submissions (2):

PreventionGenetics, part of Exact Sciences
Classification: Uncertain significance for ALMS1-related condition. Last evaluated: 2026-02-06. Review status: criteria provided, single submitter. Criteria: ACMG Guidelines, 2015. Collection method: clinical testing. Allele origin: germline.
Comment: The ALMS1 c.1353G>A variant is not predicted to result in an amino acid change (p.=). This variant is predicted to alter splicing based on available splicing prediction software (SpliceAI, Jaganathan et al. 2019. PubMed ID: 30661751). However, the use of computer prediction software is not equivalent to functional evidence. To our knowledge, this variant has not been reported in the literature. This variant is reported in 0.0031% of alleles in individuals of European (Non-Finnish) descent in gnomAD. At this time, the clinical significance of this variant is uncertain due to the absence of conclusive functional and genetic evidence.

Labcorp Genetics (formerly Invitae), Labcorp
Classification: Likely benign for Alstrom syndrome. Last evaluated: 2022-10-24. Review status: criteria provided, single submitter. Criteria: Invitae Variant Classification Sherloc (09022015). Collection method: clinical testing. Allele origin: germline.

NM_001378454.1(ALMS1):c.1350G>A (p.Glu450=)

Gene: ALMS1 (ALMS1 centrosome and basal body associated protein; plus strand). Cytogenetic location: 2p13.1.
Variant type: single nucleotide variant.
Coding change: c.1350G>A on transcript NM_001378454.1 (MANE Select); coding-DNA position 1350, G replaced by A.
Protein change: p.Glu450=; no amino-acid change (glutamic acid 450 retained).
Molecular consequence: synonymous variant.
Genome position (GRCh38, 1-based): chr2:73,432,209, G>A. VCF-style: chr2-73432209-G-A. GRCh37 (hg19) VCF-style: chr2-73659337-G-A.
Other names: c.1353G>A, p.Glu451= (NM_015120.4).
Identifiers: ClinVar variation 2036697 (VCV002036697.5), dbSNP rs2466062960, ClinGen allele CA426772083.